The following is an entry in ClinVar:

NM_000170.3(GLDC):c.2238T>A (p.Asp746Glu)

Gene: GLDC (glycine decarboxylase; minus strand). Cytogenetic location: 9p24.1.
Variant type: single nucleotide variant.
Coding change: c.2238T>A on transcript NM_000170.3 (MANE Select); coding-DNA position 2238, T replaced by A.
Protein change: p.Asp746Glu; replaces aspartic acid 746 with glutamic acid.
Molecular consequence: missense variant.
Genome position (GRCh38, 1-based): chr9:6,554,746, A>T on the plus strand (T>A on the coding strand, the complement: GLDC is on the minus strand). VCF-style: chr9-6554746-A-T. GRCh37 (hg19) VCF-style: chr9-6554746-A-T.
Other names: short protein forms D746E.
Identifiers: ClinVar variation 554905 (VCV000554905.12), dbSNP rs749882600, ClinGen allele CA372880356.
Genomic context (GRCh38, chr9:6,554,746, plus strand): 5'-GCCAGGACCACCTCCTCCGTGGGGAATGCAGAAGGTCTTGTGAAGATTTAGGTGCGAGAC[A>T]TCAGACCCGAAGTCTCCAGGGCGACAGATTCCCACCTACCACAAAGGCAAGGGCCAAAAG-3'
Protein context (NP_000161.2, residues 736-756): GICRPGDFGS[Asp746Glu]VSHLNLHKTF

ClinVar aggregate classification (germline): Pathogenic. Review status: criteria provided, single submitter (1 of 4 stars). 2 submissions from 2 submitters: Pathogenic (1). 1 of the submissions does not count toward it. Last evaluated 2022-02-11.

Conditions:
Glycine encephalopathy. Also called: Non-ketotic hyperglycinemia; Nonketotic hyperglycinemia. Identifiers: Orphanet 407, MedGen C0751748, MONDO:0011612, HP:0008288.
Glycine encephalopathy 1 (GCE1). Identifiers: MedGen CN376801, MONDO:0958179, OMIM 605899.

Submissions (2):

Labcorp Genetics (formerly Invitae), Labcorp
Classification: Pathogenic for Glycine encephalopathy. Last evaluated: 2022-02-11. Review status: criteria provided, single submitter. Criteria: Invitae Variant Classification Sherloc (09022015). Collection method: clinical testing. Allele origin: germline.
Comment: This missense change has been observed in individual(s) with nonketotic hyperglycinemia (PMID: 27362913). ClinVar contains an entry for this variant (Variation ID: 554905). Advanced modeling of protein sequence and biophysical properties (such as structural, functional, and spatial information, amino acid conservation, physicochemical variation, residue mobility, and thermodynamic stability) performed at Invitae indicates that this missense variant is expected to disrupt GLDC protein function. This variant disrupts the p.Asp746 amino acid residue in GLDC. Other variant(s) that disrupt this residue have been determined to be pathogenic (Invitae). This suggests that this residue is clinically significant, and that variants that disrupt this residue are likely to be disease-causing. For these reasons, this variant has been classified as Pathogenic. This sequence change replaces aspartic acid, which is acidic and polar, with glutamic acid, which is acidic and polar, at codon 746 of the GLDC protein (p.Asp746Glu). This variant is not present in population databases (gnomAD no frequency).

Counsyl
Classification: Uncertain significance for Glycine encephalopathy 1. Last evaluated: 2017-11-08. Review status: no assertion criteria provided. Collection method: clinical testing. Allele origin: unknown. Not counted in ClinVar's aggregate classification.

Literature cited by the submitters: PubMed 27362913 (cited by Labcorp Genetics (formerly Invitae), Labcorp and Counsyl).